The following is an entry in ClinVar:

NM_000318.3(PEX2):c.335G>C (p.Gly112Ala)

Gene: PEX2 (peroxisomal biogenesis factor 2; minus strand). Cytogenetic location: 8q21.13.
Variant type: single nucleotide variant.
Coding change: c.335G>C on transcript NM_000318.3 (MANE Select); coding-DNA position 335, G replaced by C.
Protein change: p.Gly112Ala; replaces glycine 112 with alanine.
Molecular consequence: missense variant.
Genome position (GRCh38, 1-based): chr8:76,983,844, C>G on the plus strand (G>C on the coding strand, the complement: PEX2 is on the minus strand). VCF-style: chr8-76983844-C-G. GRCh37 (hg19) VCF-style: chr8-77896080-C-G.
Other names: c.335G>C, p.Gly112Ala (NM_001079867.2, NM_001172086.2, NM_001172087.2); short protein forms G112A.
Identifiers: ClinVar variation 1428171 (VCV001428171.3), dbSNP rs745832638, ClinGen allele CA4788730.

ClinVar aggregate classification (germline): Uncertain significance (1 of 4 stars; one submission).

Conditions:
Peroxisome biogenesis disorder 5A (Zellweger) (PBD5A). Identifiers: Orphanet 912, MedGen C3553940, MONDO:0013932, OMIM 614866.

Allele frequency attached by ClinVar (database versions not stated): TOPMed below 0.00001; gnomAD 0.00001; gnomAD exomes 0.00001; ExAC 0.00002.
gnomAD v4.1: 7 of 1,614,034 alleles (0.00043%); highest among the groups gnomAD compares: East Asian, 0.0022%; no homozygotes.

Submission:

Labcorp Genetics (formerly Invitae), Labcorp
Classification: Uncertain significance for Peroxisome biogenesis disorder 5A (Zellweger). Last evaluated: 2022-10-24. Review status: criteria provided, single submitter. Criteria: Invitae Variant Classification Sherloc (09022015). Collection method: clinical testing. Allele origin: germline.
Comment: This sequence change replaces glycine, which is neutral and non-polar, with alanine, which is neutral and non-polar, at codon 112 of the PEX2 protein (p.Gly112Ala). This variant is present in population databases (rs745832638, gnomAD 0.006%). This variant has not been reported in the literature in individuals affected with PEX2-related conditions. ClinVar contains an entry for this variant (Variation ID: 1428171). Advanced modeling of protein sequence and biophysical properties (such as structural, functional, and spatial information, amino acid conservation, physicochemical variation, residue mobility, and thermodynamic stability) performed at Invitae indicates that this missense variant is not expected to disrupt PEX2 protein function. In summary, the available evidence is currently insufficient to determine the role of this variant in disease. Therefore, it has been classified as a Variant of Uncertain Significance.